The following is an entry in ClinVar:

NM_001367624.2(ZNF469):c.4826G>A (p.Arg1609Gln)

Gene: ZNF469 (zinc finger protein 469; plus strand). Cytogenetic location: 16q24.2.
Variant type: single nucleotide variant.
Coding change: c.4826G>A on transcript NM_001367624.2 (MANE Select); coding-DNA position 4826, G replaced by A.
Protein change: p.Arg1609Gln; replaces arginine 1609 with glutamine.
Molecular consequence: missense variant.
Genome position (GRCh38, 1-based): chr16:88,432,296, G>A. VCF-style: chr16-88432296-G-A. GRCh37 (hg19) VCF-style: chr16-88498704-G-A.
Other names: NM_001127464.1:c.4742G>A; short protein forms R1609Q.
Identifiers: ClinVar variation 3821080 (VCV003821080.2).

ClinVar aggregate classification (germline): Uncertain significance. Review status: criteria provided, multiple submitters, no conflicts (2 of 4 stars). 2 submissions from 2 submitters: Uncertain significance (2). Last evaluated 2026-05-05.

Conditions:
Cardiovascular phenotype. Identifiers: MedGen CN230736.

gnomAD v4.1: 79 of 1,547,032 alleles (0.0051%); highest among the groups gnomAD compares: Non-Finnish European, 0.0062%; no homozygotes.

Submissions (2):

Women's Health and Genetics/Laboratory Corporation of America, LabCorp
Classification: Uncertain significance. Last evaluated: 2026-05-05. Review status: criteria provided, single submitter. Criteria: LabCorp Variant Classification Summary - May 2015. Collection method: clinical testing. Allele origin: germline.
Comment: Variant summary: ZNF469 c.4826G>A (p.Arg1609Gln) results in a conservative amino acid change in the encoded protein sequence. Algorithms developed to predict the effect of missense changes on protein structure and function are either unavailable or do not agree on the potential impact of this missense change. The variant allele was found at a frequency of 2.7e-05 in 148414 control chromosomes. The available data on variant occurrences in the general population are insufficient to allow any conclusion about variant significance. To our knowledge, no occurrence of c.4826G>A in individuals affected with ZNF469-related conditions and no experimental evidence demonstrating its impact on protein function have been reported. ClinVar contains an entry for this variant (Variation ID: 3821080). Based on the evidence outlined above, the variant was classified as uncertain significance.

Ambry Genetics
Classification: Uncertain significance for Cardiovascular phenotype. Last evaluated: 2025-03-09. Review status: criteria provided, single submitter. Criteria: Ambry Variant Classification Scheme 2023. Collection method: clinical testing. Allele origin: germline.
Comment: The p.R1581Q variant (also known as c.4742G>A), located in coding exon 2 of the ZNF469 gene, results from a G to A substitution at nucleotide position 4742. The arginine at codon 1581 is replaced by glutamine, an amino acid with highly similar properties. This amino acid position is conserved. In addition, this alteration is predicted to be tolerated by in silico analysis. Based on the available evidence, the clinical significance of this variant remains unclear.